The following is an entry in ClinVar:

ClinVar aggregate classification (germline): Likely benign (1 of 4 stars; one submission).

Conditions:
ROCK2-related disorder. Also called: ROCK2-related condition.

gnomAD v4.1: 555 of 1,600,770 alleles (0.035%); highest among the groups gnomAD compares: Admixed American, 0.046%; no homozygotes.

Submission:

PreventionGenetics, part of Exact Sciences
Classification: Likely benign for ROCK2-related condition. Last evaluated: 2025-01-05. Review status: criteria provided, single submitter. Criteria: ACMG Guidelines, 2015. Collection method: clinical testing. Allele origin: germline.
Comment: This variant is classified as likely benign based on ACMG/AMP sequence variant interpretation guidelines (Richards et al. 2015 PMID: 25741868, with internal and published modifications).

NM_004850.5(ROCK2):c.3440G>C (p.Gly1147Ala)

Gene: ROCK2 (Rho associated coiled-coil containing protein kinase 2; minus strand). Cytogenetic location: 2p25.1.
Variant type: single nucleotide variant.
Coding change: c.3440G>C on transcript NM_004850.5 (MANE Select); coding-DNA position 3440, G replaced by C.
Protein change: p.Gly1147Ala; replaces glycine 1147 with alanine.
Molecular consequence: missense variant.
Genome position (GRCh38, 1-based): chr2:11,197,188, C>G on the plus strand (G>C on the coding strand, the complement: ROCK2 is on the minus strand). VCF-style: chr2-11197188-C-G. GRCh37 (hg19) VCF-style: chr2-11337314-C-G.
Other names: c.3182G>C, p.Gly1061Ala (NM_001321643.2); short protein forms G1061A, G1147A.
Identifiers: ClinVar variation 4981539 (VCV004981539.1).